The following is an entry in ClinVar:

NM_020163.3(SEMA3G):c.1141G>A (p.Val381Met)

Gene: SEMA3G (semaphorin 3G; minus strand). Cytogenetic location: 3p21.1.
Variant type: single nucleotide variant.
Coding change: c.1141G>A on transcript NM_020163.3 (MANE Select); coding-DNA position 1141, G replaced by A.
Protein change: p.Val381Met; replaces valine 381 with methionine.
Molecular consequence: missense variant.
Genome position (GRCh38, 1-based): chr3:52,440,379, C>T on the plus strand (G>A on the coding strand, the complement: SEMA3G is on the minus strand). VCF-style: chr3-52440379-C-T. GRCh37 (hg19) VCF-style: chr3-52474395-C-T.
Other names: short protein forms V381M.
Identifiers: ClinVar variation 4989065 (VCV004989065.1).

ClinVar aggregate classification (germline): Uncertain significance (1 of 4 stars; one submission).

Conditions:
SEMA3G-related disorder. Also called: SEMA3G-related condition.

gnomAD v4.1: 20 of 1,600,926 alleles (0.0012%); highest among the groups gnomAD compares: African/African-American, 0.0094%; no homozygotes.

Submission:

PreventionGenetics, part of Exact Sciences
Classification: Uncertain significance for SEMA3G-related condition. Last evaluated: 2026-03-14. Review status: criteria provided, single submitter. Criteria: ACMG Guidelines, 2015. Collection method: clinical testing. Allele origin: germline.
Comment: The SEMA3G c.1141G>A variant is predicted to result in the amino acid substitution p.Val381Met. To our knowledge, this variant has not been reported in the literature. This variant is reported in 0.0086% of alleles in individuals of European (Finnish) descent in gnomAD. At this time, the clinical significance of this variant is uncertain due to the absence of conclusive functional and genetic evidence.